The following is an entry in ClinVar:

NM_001367823.1(ARHGEF18):c.968-309C>T

Gene: ARHGEF18 (Rho/Rac guanine nucleotide exchange factor 18; plus strand). Cytogenetic location: 19p13.2.
Variant type: single nucleotide variant.
Coding change: c.968-309C>T on transcript NM_001367823.1 (MANE Select); 309 bases into the intron before coding-DNA position 968, C replaced by T.
Molecular consequence: intron variant. On other transcripts: 5 prime UTR variant (1).
Genome position (GRCh38, 1-based): chr19:7,440,035, C>T. VCF-style: chr19-7440035-C-T. GRCh37 (hg19) VCF-style: chr19-7504921-C-T.
Other names: c.-68C>T (NM_001130955.2); c.-226-154C>T (NM_001367824.1); c.-71-309C>T (NM_015318.4).
Identifiers: ClinVar variation 1026272 (VCV001026272.8), dbSNP rs1050819155, ClinGen allele CA304877327.

ClinVar aggregate classification (germline): Uncertain significance (1 of 4 stars; one submission).

Allele frequency attached by ClinVar (database versions not stated): gnomAD exomes below 0.00001 and 0.00001; TOPMed 0.00002; gnomAD 0.00003.
gnomAD v4.1: 8 of 1,550,602 alleles (0.00052%); highest among the groups gnomAD compares: African/African-American, 0.011%; no homozygotes.

Submission:

Labcorp Genetics (formerly Invitae), Labcorp
Classification: Uncertain significance. Last evaluated: 2020-06-23. Review status: criteria provided, single submitter. Criteria: Invitae Variant Classification Sherloc (09022015). Collection method: clinical testing. Allele origin: germline.
Comment: This sequence change replaces proline with leucine at codon 32 of the ARHGEF18 protein (p.Pro32Leu). The proline residue is weakly conserved and there is a moderate physicochemical difference between proline and leucine. This variant is not present in population databases (ExAC no frequency). This variant has not been reported in the literature in individuals with ARHGEF18-related conditions. Algorithms developed to predict the effect of missense changes on protein structure and function (SIFT, PolyPhen-2, Align-GVGD) all suggest that this variant is likely to be tolerated, but these predictions have not been confirmed by published functional studies and their clinical significance is uncertain. In summary, the available evidence is currently insufficient to determine the role of this variant in disease. Therefore, it has been classified as a Variant of Uncertain Significance.